The following is an entry in ClinVar:

ClinVar aggregate classification (germline): Likely benign. Review status: criteria provided, multiple submitters, no conflicts (2 of 4 stars). 4 submissions from 4 submitters: Likely benign (4). Last evaluated 2026-07-01.

Conditions:
Supravalvar aortic stenosis (SVAS). Also called: Supravalvar aortic stenosis, Eisenberg type. Identifiers: Orphanet 3193, MedGen C0003499, MONDO:0008504, OMIM 185500, HP:0004381.

Allele frequency attached by ClinVar (database versions not stated): ExAC 0.00004; gnomAD exomes 0.00005 and 0.00015; gnomAD 0.00011 and 0.00012; TOPMed 0.00012.
gnomAD v4.1: 95 of 1,613,822 alleles (0.0059%); highest among the groups gnomAD compares: Admixed American, 0.077%; no homozygotes.

Submissions (4):

CeGaT Center for Human Genetics Tuebingen
Classification: Likely benign. Last evaluated: 2026-07-01. Review status: criteria provided, single submitter. Criteria: CeGaT Center For Human Genetics Tuebingen Variant Classification Criteria Version 2. Collection method: clinical testing. Allele origin: germline. Affected: yes. Observed: 2 variant alleles.
Comment: ELN: BP4, BP7

Labcorp Genetics (formerly Invitae), Labcorp
Classification: Likely benign for Supravalvar aortic stenosis. Last evaluated: 2025-12-03. Review status: criteria provided, single submitter. Criteria: Invitae Variant Classification Sherloc (09022015). Collection method: clinical testing. Allele origin: germline.

Blueprint Genetics
Classification: Likely benign. Last evaluated: 2022-07-21. Review status: criteria provided, single submitter. Criteria: ACMG Guidelines, 2015. Collection method: clinical testing. Allele origin: germline.

GeneDx
Classification: Likely benign. Last evaluated: 2020-12-24. Review status: criteria provided, single submitter. Criteria: GeneDx Variant Classification Process June 2021. Collection method: clinical testing. Allele origin: germline. Affected: yes.

NM_000501.4(ELN):c.717G>A (p.Ala239=)

Gene: ELN (elastin; plus strand). Cytogenetic location: 7q11.23.
Variant type: single nucleotide variant.
Coding change: c.717G>A on transcript NM_000501.4 (MANE Select); coding-DNA position 717, G replaced by A.
Protein change: p.Ala239=; no amino-acid change (alanine 239 retained).
Molecular consequence: synonymous variant.
Genome position (GRCh38, 1-based): chr7:74,048,173, G>A. VCF-style: chr7-74048173-G-A. GRCh37 (hg19) VCF-style: chr7-73462503-G-A.
Other names: c.687G>A, p.Ala229= (NM_001081752.3, NM_001278917.2); c.732G>A, p.Ala244= (NM_001081753.3, NM_001081754.3); c.717G>A, p.Ala239= (NM_001081755.3, NM_001278912.2, NM_001278915.2 and 1 more transcripts); c.609G>A, p.Ala203= (NM_001278913.2); c.702G>A, p.Ala234= (NM_001278914.2); c.675G>A, p.Ala225= (NM_001278916.2); c.585G>A, p.Ala195= (NM_001278918.2).
Identifiers: ClinVar variation 696549 (VCV000696549.20), dbSNP rs782502253, ClinGen allele CA4292658.